The following is an entry in ClinVar:

ClinVar aggregate classification (germline): Uncertain significance (1 of 4 stars; one submission).

gnomAD v4.1: 6 of 1,613,938 alleles (0.00037%); highest among the groups gnomAD compares: Admixed American, 0.0033%; no homozygotes.

Submission:

GeneDx
Classification: Uncertain significance. Last evaluated: 2026-01-20. Review status: criteria provided, single submitter. Criteria: GeneDx Variant Classification Process June 2021. Collection method: clinical testing. Allele origin: germline.
Comment: Not observed at significant frequency in large population cohorts (gnomAD); In silico analysis suggests that this missense variant does not alter protein structure/function; Has not been previously published as pathogenic or benign to our knowledge

NM_001170629.2(CHD8):c.1418G>A (p.Arg473His)

Gene: CHD8 (chromodomain helicase DNA binding protein 8; minus strand). Cytogenetic location: 14q11.2.
Variant type: single nucleotide variant.
Coding change: c.1418G>A on transcript NM_001170629.2 (MANE Select); coding-DNA position 1418, G replaced by A.
Protein change: p.Arg473His; replaces arginine 473 with histidine.
Molecular consequence: missense variant.
Genome position (GRCh38, 1-based): chr14:21,428,052, C>T on the plus strand (G>A on the coding strand, the complement: CHD8 is on the minus strand). VCF-style: chr14-21428052-C-T. GRCh37 (hg19) VCF-style: chr14-21896211-C-T.
Other names: c.581G>A, p.Arg194His (NM_020920.4); short protein forms R194H, R473H.
Identifiers: ClinVar variation 4975370 (VCV004975370.1).